The following is an entry in ClinVar:

NM_006180.6(NTRK2):c.1128T>A (p.Ala376=)

Gene: NTRK2 (neurotrophic receptor tyrosine kinase 2; plus strand). Cytogenetic location: 9q21.33.
Variant type: single nucleotide variant.
Coding change: c.1128T>A on transcript NM_006180.6 (MANE Select); coding-DNA position 1128, T replaced by A.
Protein change: p.Ala376=; no amino-acid change (alanine 376 retained).
Molecular consequence: synonymous variant.
Genome position (GRCh38, 1-based): chr9:84,727,928, T>A. VCF-style: chr9-84727928-T-A. GRCh37 (hg19) VCF-style: chr9-87342843-T-A.
Other names: c.1128T>A, p.Ala376= (NM_001007097.3, NM_001018064.3, NM_001018065.2 and 16 more transcripts); c.1089T>A, p.Ala363= (NM_001291937.2, NM_001369546.1); c.660T>A, p.Ala220= (NM_001369535.1, NM_001369536.1, NM_001369550.1 and 2 more transcripts).
Identifiers: ClinVar variation 4996411 (VCV004996411.1).
Genomic context (GRCh38, chr9:84,727,928, plus strand): 5'-TGGGGACTACACTCTAATAGCCAAGAATGAGTATGGGAAGGATGAGAAACAGATTTCTGC[T>A]CACTTCATGGGCTGGCCTGGAATTGACGATGGTGAGTAACTGACACTTTTGTATGTGGGG-3'
Protein context (NP_006171.2, residues 366-386): EYGKDEKQIS[Ala376=]HFMGWPGIDD

ClinVar aggregate classification (germline): Likely benign (1 of 4 stars; one submission).

Conditions:
NTRK2-related disorder. Also called: NTRK2-related condition.

Submission:

PreventionGenetics, part of Exact Sciences
Classification: Likely benign for NTRK2-related condition. Last evaluated: 2026-06-21. Review status: criteria provided, single submitter. Criteria: ACMG Guidelines, 2015. Collection method: clinical testing. Allele origin: germline.
Comment: This variant is classified as likely benign based on ACMG/AMP sequence variant interpretation guidelines (Richards et al. 2015 PMID: 25741868, with internal and published modifications).